The following is an entry in ClinVar:

ClinVar aggregate classification (germline): Likely benign (1 of 4 stars; one submission).

Conditions:
PTPRQ-related disorder. Also called: PTPRQ-related condition.

Submission:

PreventionGenetics, part of Exact Sciences
Classification: Likely benign for PTPRQ-related condition. Last evaluated: 2025-11-04. Review status: criteria provided, single submitter. Criteria: ACMG Guidelines, 2015. Collection method: clinical testing. Allele origin: germline.
Comment: This variant is classified as likely benign based on ACMG/AMP sequence variant interpretation guidelines (Richards et al. 2015 PMID: 25741868, with internal and published modifications).

NM_001145026.2(PTPRQ):c.*102del

Gene: PTPRQ (protein tyrosine phosphatase receptor type Q; plus strand). Cytogenetic location: 12q21.31.
Variant type: Deletion.
Coding change: c.*102del on transcript NM_001145026.2 (MANE Select); 102 bases downstream of the stop codon, one base deleted (A; older notation c.*102delA).
Molecular consequence: 3 prime UTR variant.
Genome position (GRCh38, 1-based): chr12:80,679,125, A deleted. VCF-style (leftmost placement, unchanged base first): chr12-80679124-TA-T. GRCh37 (hg19) VCF-style: chr12-81072903-TA-T.
Identifiers: ClinVar variation 4983573 (VCV004983573.1).